The following is an entry in ClinVar:

ClinVar aggregate classification (germline): Uncertain significance (1 of 4 stars; one submission).

Conditions:
Cardiovascular phenotype. Identifiers: MedGen CN230736.
Hereditary cancer-predisposing syndrome. Also called: Neoplastic Syndromes, Hereditary; Tumor predisposition; Hereditary Cancer Syndrome; Hereditary neoplastic syndrome. Identifiers: Orphanet 140162, MedGen C0027672, MeSH D009386, MONDO:0015356.

gnomAD v4.1: 1 of 1,613,736 alleles (0.000062%); highest among the groups gnomAD compares: Non-Finnish European, 0.000085%; no homozygotes.

Submission:

Ambry Genetics
Classification: Uncertain significance for Cardiovascular phenotype; Hereditary cancer-predisposing syndrome. Last evaluated: 2026-04-22. Review status: criteria provided, single submitter. Criteria: Ambry Variant Classification Scheme 2023. Collection method: clinical testing. Allele origin: germline.
Comment: The p.R2535S variant (also known as c.7605G>T), located in coding exon 51 of the NF1 gene, results from a G to T substitution at nucleotide position 7605. The arginine at codon 2535 is replaced by serine, an amino acid with dissimilar properties. This amino acid position is conserved. In addition, the in silico prediction for this alteration is inconclusive. Based on the available evidence, the clinical significance of this variant remains unclear.

NM_001042492.3(NF1):c.7668G>T (p.Arg2556Ser)

Gene: NF1 (neurofibromin 1; plus strand). Cytogenetic location: 17q11.2.
Variant type: single nucleotide variant.
Coding change: c.7668G>T on transcript NM_001042492.3 (MANE Select); coding-DNA position 7668, G replaced by T.
Protein change: p.Arg2556Ser; replaces arginine 2556 with serine.
Molecular consequence: missense variant.
Genome position (GRCh38, 1-based): chr17:31,356,512, G>T. VCF-style: chr17-31356512-G-T. GRCh37 (hg19) VCF-style: chr17-29683530-G-T.
Other names: c.7605G>T, p.Arg2535Ser (NM_000267.4); short protein forms R2535S, R2556S.
Identifiers: ClinVar variation 4860933 (VCV004860933.1).